The following is an entry in ClinVar:

ClinVar aggregate classification (germline): Uncertain significance (1 of 4 stars; one submission).

Conditions:
Developmental delay with or without dysmorphic facies and autism. Identifiers: MedGen C5193106, MONDO:0032760, OMIM 618454.

Submission:

3billion
Classification: Uncertain significance for Developmental delay with or without dysmorphic facies and autism. Last evaluated: 2024-12-19. Review status: criteria provided, single submitter. Criteria: ACMG Guidelines, 2015. Collection method: clinical testing. Allele origin: germline. Affected: yes.
Comment: The variant is not observed in the gnomAD v4.1.0 dataset. Predicted Consequence/Location: Missense variant. Missense changes are a common disease-causing mechanism. Damaging effect on gene or gene product predicted by in silico programs is uncertain [REVEL: 0.42 (damaging >=0.6, benign <0.4), 3Cnet: 0.30 (damaging >=0.6, benign <0.15)]. Therefore, this variant is classified as VUS according to the recommendation of ACMG/AMP guideline.

NM_001375524.1(TRRAP):c.1953C>G (p.Phe651Leu)

Gene: TRRAP (transformation/transcription domain associated protein; plus strand). Cytogenetic location: 7q22.1.
Variant type: single nucleotide variant.
Coding change: c.1953C>G on transcript NM_001375524.1 (MANE Select); coding-DNA position 1953, C replaced by G.
Protein change: p.Phe651Leu; replaces phenylalanine 651 with leucine.
Molecular consequence: missense variant.
Genome position (GRCh38, 1-based): chr7:98,911,217, C>G. VCF-style: chr7-98911217-C-G. GRCh37 (hg19) VCF-style: chr7-98508840-C-G.
Other names: c.1953C>G, p.Phe651Leu (NM_001244580.2, NM_003496.4); short protein forms F651L.
Identifiers: ClinVar variation 4293091 (VCV004293091.1).